The following is an entry in ClinVar:

NM_000384.3(APOB):c.10515T>A (p.Leu3505=)

Gene: APOB (apolipoprotein B; minus strand). Cytogenetic location: 2p24.1.
Variant type: single nucleotide variant.
Coding change: c.10515T>A on transcript NM_000384.3 (MANE Select); coding-DNA position 10515, T replaced by A.
Protein change: p.Leu3505=; no amino-acid change (leucine 3505 retained).
Molecular consequence: synonymous variant.
Genome position (GRCh38, 1-based): chr2:21,006,353, A>T on the plus strand (T>A on the coding strand, the complement: APOB is on the minus strand). VCF-style: chr2-21006353-A-T. GRCh37 (hg19) VCF-style: chr2-21229225-A-T.
Identifiers: ClinVar variation 4888246 (VCV004888246.1).

ClinVar aggregate classification (germline): Likely benign (1 of 4 stars; one submission).

Conditions:
Familial hypercholesterolemia. Also called: Familial hypercholesterolemias; Familial hypercholesterolaemia. Identifiers: MedGen C0020445, MONDO:0005439.

Submission:

GENinCode PLC
Classification: Likely benign for Familial hypercholesterolemia. Last evaluated: 2026-05-08. Review status: criteria provided, single submitter. Criteria: ACMG Guidelines, 2015. Collection method: clinical testing. Allele origin: germline.
Comment: This is a synonymous (silent) variant that is not predicted to impact splicing and occurs at a nucleotide which is not highly conserved. This variant has been classified as Likely Benign (BP4, BP7).